The following is an entry in ClinVar:

NM_175914.5(HNF4A):c.583-1G>C

Gene: HNF4A (hepatocyte nuclear factor 4 alpha; plus strand). Cytogenetic location: 20q13.12.
Variant type: single nucleotide variant.
Coding change: c.583-1G>C on transcript NM_175914.5 (MANE Select); the canonical splice acceptor site of the intron before coding-DNA position 583, G replaced by C.
Molecular consequence: splice acceptor variant.
Genome position (GRCh38, 1-based): chr20:44,418,424, G>C. VCF-style: chr20-44418424-G-C. GRCh37 (hg19) VCF-style: chr20-43047064-G-C.
Other names: c.574-1G>C (NM_001287182.2, NM_001287183.2, NM_001287184.2); c.583-1G>C (NM_001030003.3, NM_001030004.3); c.628-1G>C (NM_001258355.2); c.649-1G>C (NM_178849.3, NM_000457.6, NM_178850.3).
Identifiers: ClinVar variation 1749979 (VCV001749979.2), dbSNP rs2515692811, ClinGen allele CA409106719.

ClinVar aggregate classification (germline): Likely pathogenic (1 of 4 stars; one submission).

Conditions:
Maturity-onset diabetes of the young (MODY). Also called: Maturity onset diabetes mellitus in young. Identifiers: Orphanet 552, MedGen C0342276, MONDO:0018911, HP:0004904.

Submission:

Ambry Genetics
Classification: Likely pathogenic for Maturity-onset diabetes of the young. Last evaluated: 2018-03-25. Review status: criteria provided, single submitter. Criteria: Ambry Variant Classification Scheme 2023. Collection method: clinical testing. Allele origin: germline.
Comment: The c.583-1G>C intronic variant results from a G to C substitution one nucleotide upstream from coding exon 6 of the HNF4A gene. This nucleotide position is highly conserved in available vertebrate species. Using two different splice site prediction tools, this alteration is predicted by BDGP to abolish the native splice acceptor site, but is predicted to weaken (but not abolish) the efficiency of the native splice acceptor site by ESEfinder; however, direct evidence is unavailable. Alterations that disrupt the canonical splice site are expected to cause aberrant splicing, resulting in an abnormal protein or a transcript that is subject to nonsense-mediated mRNA decay. As such, this alteration is classified as likely pathogenic.